The following is an entry in ClinVar:

ClinVar aggregate classification (germline): Uncertain significance (1 of 4 stars; one submission).

Submission:

GeneDx
Classification: Uncertain significance. Last evaluated: 2025-05-12. Review status: criteria provided, single submitter. Criteria: GeneDx Variant Classification Process June 2021. Collection method: clinical testing. Allele origin: germline.
Comment: Not observed at significant frequency in large population cohorts (gnomAD); In-frame deletion of 2 amino acid(s) in a non-repeat region; In silico analysis suggests that this variant does not alter protein structure/function; Has not been previously published as pathogenic or benign to our knowledge

NM_170606.3(KMT2C):c.8161_8166del (p.2719NL[1])

Gene: KMT2C (lysine methyltransferase 2C; minus strand). Cytogenetic location: 7q36.1.
Variant type: Deletion.
Coding change: c.8161_8166del on transcript NM_170606.3 (MANE Select); coding-DNA positions 8161 to 8166, 6 bases deleted (AATTTA; older notation c.8161_8166delAATTTA).
Protein change: p.2719NL[1].
Genome position (GRCh38, 1-based): chr7:152,177,287-152,177,292, TAAATT deleted on the plus strand (AATTTA on the coding strand, the reverse complement: KMT2C is on the minus strand); deleting any 6 consecutive bases within chr7:152,177,287-152,177,295 gives the same sequence; the c. name uses the placement nearest the transcript's 3' end. VCF-style (leftmost placement, unchanged base first): chr7-152177286-CTAAATT-C. GRCh37 (hg19) VCF-style: chr7-151874371-CTAAATT-C.
Identifiers: ClinVar variation 3364706 (VCV003364706.2).